The following is an entry in ClinVar:

ClinVar aggregate classification (germline): Uncertain significance (1 of 4 stars; one submission).

Submission:

Labcorp Genetics (formerly Invitae), Labcorp
Classification: Uncertain significance. Last evaluated: 2024-10-15. Review status: criteria provided, single submitter. Criteria: Invitae Variant Classification Sherloc (09022015). Collection method: clinical testing. Allele origin: germline.
Comment: This sequence change replaces arginine, which is basic and polar, with proline, which is neutral and non-polar, at codon 38 of the GATA5 protein (p.Arg38Pro). This variant is not present in population databases (gnomAD no frequency). This variant has not been reported in the literature in individuals affected with GATA5-related conditions. An algorithm developed to predict the effect of missense changes on protein structure and function (PolyPhen-2) suggests that this variant is likely to be disruptive. In summary, the available evidence is currently insufficient to determine the role of this variant in disease. Therefore, it has been classified as a Variant of Uncertain Significance.

NM_080473.5(GATA5):c.113G>C (p.Arg38Pro)

Gene: GATA5 (GATA binding protein 5; minus strand). Cytogenetic location: 20q13.33.
Variant type: single nucleotide variant.
Coding change: c.113G>C on transcript NM_080473.5 (MANE Select); coding-DNA position 113, G replaced by C.
Protein change: p.Arg38Pro; replaces arginine 38 with proline.
Molecular consequence: missense variant.
Genome position (GRCh38, 1-based): chr20:62,475,409, C>G on the plus strand (G>C on the coding strand, the complement: GATA5 is on the minus strand). VCF-style: chr20-62475409-C-G. GRCh37 (hg19) VCF-style: chr20-61050465-C-G.
Other names: short protein forms R38P.
Identifiers: ClinVar variation 3649304 (VCV003649304.2).